The following is an entry in ClinVar:

ClinVar aggregate classification (germline): Uncertain significance (1 of 4 stars; one submission).

Conditions:
Periodic fever-infantile enterocolitis-autoinflammatory syndrome. Also called: Autoinflammation with infantile enterocolitis. Identifiers: Orphanet 436166, MedGen C4015067, MONDO:0014472, OMIM 616050.
Familial cold autoinflammatory syndrome 4 (FCAS4). Identifiers: Orphanet 47045, Orphanet 576349, MedGen C4015276, MONDO:0014498, OMIM 616115.

Submission:

Labcorp Genetics (formerly Invitae), Labcorp
Classification: Uncertain significance for Periodic fever-infantile enterocolitis-autoinflammatory syndrome; Familial cold autoinflammatory syndrome 4. Last evaluated: 2023-03-27. Review status: criteria provided, single submitter. Criteria: Invitae Variant Classification Sherloc (09022015). Collection method: clinical testing. Allele origin: germline.
Comment: This sequence change replaces serine, which is neutral and polar, with proline, which is neutral and non-polar, at codon 567 of the NLRC4 protein (p.Ser567Pro). In summary, the available evidence is currently insufficient to determine the role of this variant in disease. Therefore, it has been classified as a Variant of Uncertain Significance. Advanced modeling of protein sequence and biophysical properties (such as structural, functional, and spatial information, amino acid conservation, physicochemical variation, residue mobility, and thermodynamic stability) performed at Invitae indicates that this missense variant is expected to disrupt NLRC4 protein function. ClinVar contains an entry for this variant (Variation ID: 1993972). This variant has not been reported in the literature in individuals affected with NLRC4-related conditions. This variant is not present in population databases (gnomAD no frequency).

NM_001199138.2(NLRC4):c.1699T>C (p.Ser567Pro)

Gene: NLRC4 (NLR family CARD domain containing 4; minus strand). Cytogenetic location: 2p22.3.
Variant type: single nucleotide variant.
Coding change: c.1699T>C on transcript NM_001199138.2 (MANE Select); coding-DNA position 1699, T replaced by C.
Protein change: p.Ser567Pro; replaces serine 567 with proline.
Molecular consequence: missense variant. On other transcripts: intron variant (1).
Genome position (GRCh38, 1-based): chr2:32,250,165, A>G on the plus strand (T>C on the coding strand, the complement: NLRC4 is on the minus strand). VCF-style: chr2-32250165-A-G. GRCh37 (hg19) VCF-style: chr2-32475234-A-G.
Other names: c.1699T>C, p.Ser567Pro (NM_001199139.2, NM_021209.5); c.262+2254T>C (NM_001302504.1); short protein forms S567P.
Identifiers: ClinVar variation 1993972 (VCV001993972.4), dbSNP rs1458320637, ClinGen allele CA346511898.